The following is an entry in ClinVar:

ClinVar aggregate classification (germline): Uncertain significance (1 of 4 stars; one submission).

Conditions:
Hereditary cancer-predisposing syndrome. Also called: Neoplastic Syndromes, Hereditary; Tumor predisposition; Hereditary neoplastic syndrome; Hereditary Cancer Syndrome. Identifiers: Orphanet 140162, MedGen C0027672, MeSH D009386, MONDO:0015356.

Submission:

Ambry Genetics
Classification: Uncertain significance for Hereditary cancer-predisposing syndrome. Last evaluated: 2023-02-21. Review status: criteria provided, single submitter. Criteria: Ambry Variant Classification Scheme 2023. Collection method: clinical testing. Allele origin: germline.
Comment: The p.E201G variant (also known as c.602A>G), located in coding exon 5 of the APC gene, results from an A to G substitution at nucleotide position 602. The glutamic acid at codon 201 is replaced by glycine, an amino acid with similar properties. This amino acid position is highly conserved in available vertebrate species. In addition, in silico predictors for this gene do not accurately predict pathogenicity. Since supporting evidence is limited at this time, the clinical significance of this alteration remains unclear.

NM_000038.6(APC):c.602A>G (p.Glu201Gly)

Gene: APC (APC regulator of Wnt signaling pathway; plus strand). Cytogenetic location: 5q22.2.
Variant type: single nucleotide variant.
Coding change: c.602A>G on transcript NM_000038.6 (MANE Select); coding-DNA position 602, A replaced by G.
Protein change: p.Glu201Gly; replaces glutamic acid 201 with glycine.
Molecular consequence: missense variant. On other transcripts: 5 prime UTR variant (4), non-coding transcript variant (2).
Genome position (GRCh38, 1-based): chr5:112,780,860, A>G. VCF-style: chr5-112780860-A-G. GRCh37 (hg19) VCF-style: chr5-112116557-A-G.
Other names: c.602A>G, p.Glu201Gly (NM_001127510.3, NM_001354895.2, NM_001354896.2 and 16 more transcripts); c.632A>G, p.Glu211Gly (NM_001127511.3, NM_001354897.2, NM_001354902.2 and 1 more transcripts); c.527A>G, p.Glu176Gly (NM_001354898.2, NM_001354904.2, NM_001407451.1); c.425A>G, p.Glu142Gly (NM_001354900.2, NM_001354901.2, NM_001354905.2 and 1 more transcripts); c.-434A>G (NM_001354906.2, NM_001407470.1, NM_001407471.1 and 1 more transcripts); short protein forms E201G, E142G, E176G, E211G.
Identifiers: ClinVar variation 2452735 (VCV002452735.2), dbSNP rs2532488384, ClinGen allele CA16022654.